The following is an entry in ClinVar:

NM_000426.4(LAMA2):c.6274+60A>G

Gene: LAMA2 (laminin subunit alpha 2; plus strand). Cytogenetic location: 6q22.33.
Variant type: single nucleotide variant.
Coding change: c.6274+60A>G on transcript NM_000426.4 (MANE Select); 60 bases into the intron after coding-DNA position 6274, A replaced by G.
Molecular consequence: intron variant.
Genome position (GRCh38, 1-based): chr6:129,443,128, A>G. VCF-style: chr6-129443128-A-G. GRCh37 (hg19) VCF-style: chr6-129764273-A-G.
Other names: c.6274+60A>G (NM_001079823.2).
Identifiers: ClinVar variation 678265 (VCV000678265.1), dbSNP rs73775412, ClinGen allele CA146918366.

ClinVar aggregate classification (germline): Benign (1 of 4 stars; one submission).

Allele frequency attached by ClinVar (database versions not stated): gnomAD exomes 0.00207; ESP Exome Variant Server 0.02542; gnomAD 0.02610 and 0.02810; TOPMed 0.02915; 1000 Genomes Project 0.03055; 1000 Genomes Project 30x 0.03123.
gnomAD v4.1: 6,547 of 1,332,388 alleles (0.49%); highest among the groups gnomAD compares: African/African-American, 8.4%; 245 homozygotes.

Submission:

GeneDx
Classification: Benign. Last evaluated: 2018-06-19. Review status: criteria provided, single submitter. Criteria: GeneDx Variant Classification (06012015). Collection method: clinical testing. Allele origin: germline. Affected: yes.
Comment: This variant is considered likely benign or benign based on one or more of the following criteria: it is a conservative change, it occurs at a poorly conserved position in the protein, it is predicted to be benign by multiple in silico algorithms, and/or has population frequency not consistent with disease.